The following is an entry in ClinVar:

ClinVar aggregate classification (germline): Likely pathogenic (1 of 4 stars; one submission).

Conditions:
Familial thoracic aortic aneurysm and aortic dissection (TAAD). Also called: Thoracic aortic aneurysms and dissections. Identifiers: Orphanet 91387, MedGen C4707243, MONDO:0019625.

Submission:

Ambry Genetics
Classification: Likely pathogenic for Familial thoracic aortic aneurysm and aortic dissection. Last evaluated: 2024-10-02. Review status: criteria provided, single submitter. Criteria: Ambry Variant Classification Scheme 2023. Collection method: clinical testing. Allele origin: germline.
Comment: The c.6313+3A>T intronic variant results from an A to T substitution 3 nucleotides after coding exon 50 in the FBN1 gene. This nucleotide position is well conserved in available vertebrate species. In silico splice site analysis predicts that this alteration will weaken the native splice donor site. This variant was not reported in population-based cohorts in the Genome Aggregation Database (gnomAD). Based on the majority of available evidence to date, this variant is likely to be pathogenic.

Literature cited by the submitters: PubMed 12203992; PubMed 32123317.

NM_000138.5(FBN1):c.6313+3A>T

Gene: FBN1 (fibrillin 1; minus strand). Cytogenetic location: 15q21.1.
Variant type: single nucleotide variant.
Coding change: c.6313+3A>T on transcript NM_000138.5 (MANE Select); 3 bases into the intron after coding-DNA position 6313, A replaced by T.
Molecular consequence: intron variant.
Genome position (GRCh38, 1-based): chr15:48,437,765, T>A on the plus strand (A>T on the coding strand, the complement: FBN1 is on the minus strand). VCF-style: chr15-48437765-T-A. GRCh37 (hg19) VCF-style: chr15-48729962-T-A.
Identifiers: ClinVar variation 1752804 (VCV001752804.3), dbSNP rs1555395256, ClinGen allele CA2580089576.